The following is an entry in ClinVar:

NM_000143.4(FH):c.1355C>T (p.Ser452Phe)

Gene: FH (fumarate hydratase; minus strand). Cytogenetic location: 1q43.
Variant type: single nucleotide variant.
Coding change: c.1355C>T on transcript NM_000143.4 (MANE Select); coding-DNA position 1355, C replaced by T.
Protein change: p.Ser452Phe; replaces serine 452 with phenylalanine.
Molecular consequence: missense variant.
Genome position (GRCh38, 1-based): chr1:241,500,472, G>A on the plus strand (C>T on the coding strand, the complement: FH is on the minus strand). VCF-style: chr1-241500472-G-A. GRCh37 (hg19) VCF-style: chr1-241663772-G-A.
Other names: short protein forms S452F.
Identifiers: ClinVar variation 5021748 (VCV005021748.1).

ClinVar aggregate classification (germline): Uncertain significance (1 of 4 stars; one submission).

Conditions:
Hereditary cancer-predisposing syndrome. Also called: Neoplastic Syndromes, Hereditary; Tumor predisposition; Hereditary neoplastic syndrome; Hereditary Cancer Syndrome. Identifiers: Orphanet 140162, MedGen C0027672, MeSH D009386, MONDO:0015356.

Submission:

Ambry Genetics
Classification: Uncertain significance for Hereditary cancer-predisposing syndrome. Last evaluated: 2026-07-07. Review status: criteria provided, single submitter. Criteria: Ambry Variant Classification Scheme 2023. Collection method: clinical testing. Allele origin: germline.
Comment: The p.S452F variant (also known as c.1355C>T), located in coding exon 9 of the FH gene, results from a C to T substitution at nucleotide position 1355. The serine at codon 452 is replaced by phenylalanine, an amino acid with highly dissimilar properties. This amino acid position is conserved. In addition, this alteration is predicted to be deleterious by in silico analysis. Based on the available evidence, the clinical significance of this variant remains unclear.